The following is an entry in ClinVar:

ClinVar aggregate classification (germline): Benign (1 of 4 stars; one submission).

Conditions:
Leigh syndrome (NULS). Also called: Leigh's necrotizing encephalopathy; Leigh's disease; Leigh's syndrome; LEIGH SYNDROME, NUCLEAR; Leigh Syndrome (mtDNA deletion); Leigh Disease. Identifiers: Orphanet 506, MedGen C2931891, MONDO:0009723, OMIM 256000.

Submission:

Wong Mito Lab, Molecular and Human Genetics, Baylor College of Medicine
Classification: Benign for Leigh syndrome. Last evaluated: 2019-10-17. Review status: criteria provided, single submitter. Criteria: Modified ACMG Guidelines (Unpublished). Collection method: clinical testing. Allele origin: germline.
Comment: The NC_012920.1:m.15080A>G (YP_003024038.1:p.Thr112Ala) variant in MTCYB gene is interpretated to be a Benign variant based on the modified ACMG guidelines (unpublished). This variant meets the following evidence codes: BS1, BS2

NC_012920.1(MT-CYB):m.15080A>G

Gene: MT-CYB (mitochondrially encoded cytochrome b; plus strand).
Variant type: single nucleotide variant.
Genome position: chrM-15080-A-G.
Identifiers: ClinVar variation 693822 (VCV000693822.1), dbSNP rs386829235, ClinGen allele CA913172889.